The following is an entry in ClinVar:

ClinVar aggregate classification (germline): Uncertain significance (1 of 4 stars; one submission).

Allele frequency attached by ClinVar (database versions not stated): gnomAD 0.00001; TOPMed below 0.00001.
gnomAD v4.1: 2 of 1,534,798 alleles (0.00013%); highest among the groups gnomAD compares: Non-Finnish European, 0.000087%; no homozygotes.

Submission:

GeneDx
Classification: Uncertain significance. Last evaluated: 2026-01-18. Review status: criteria provided, single submitter. Criteria: GeneDx Variant Classification Process June 2021. Collection method: clinical testing. Allele origin: germline.
Comment: Not observed at significant frequency in large population cohorts (gnomAD); In silico analysis suggests that this missense variant does not alter protein structure/function; Has not been previously published as pathogenic or benign to our knowledge

NM_001378183.1(PIEZO2):c.3406G>A (p.Ala1136Thr)

Gene: PIEZO2 (piezo type mechanosensitive ion channel component 2; minus strand). Cytogenetic location: 18p11.22.
Variant type: single nucleotide variant.
Coding change: c.3406G>A on transcript NM_001378183.1 (MANE Select); coding-DNA position 3406, G replaced by A.
Protein change: p.Ala1136Thr; replaces alanine 1136 with threonine.
Molecular consequence: missense variant.
Genome position (GRCh38, 1-based): chr18:10,760,955, C>T on the plus strand (G>A on the coding strand, the complement: PIEZO2 is on the minus strand). VCF-style: chr18-10760955-C-T. GRCh37 (hg19) VCF-style: chr18-10760953-C-T.
Other names: c.3331G>A, p.Ala1111Thr (NM_022068.4); short protein forms A1111T, A1136T.
Identifiers: ClinVar variation 1699639 (VCV001699639.3), dbSNP rs1436524011, ClinGen allele CA401923006.